The following is an entry in ClinVar:

ClinVar aggregate classification (germline): Uncertain significance (1 of 4 stars; one submission).

Allele frequency attached by ClinVar (database versions not stated): gnomAD exomes below 0.00001; TOPMed 0.00001; gnomAD 0.00002; ESP Exome Variant Server 0.00008.
gnomAD v4.1: 4 of 1,613,948 alleles (0.00025%); highest among the groups gnomAD compares: African/African-American, 0.0053%; no homozygotes.

Submission:

Ambry Genetics
Classification: Uncertain significance. Last evaluated: 2023-07-12. Review status: criteria provided, single submitter. Criteria: Ambry Variant Classification Scheme 2023. Collection method: clinical testing. Allele origin: germline.
Comment: The p.M81I variant (also known as c.243G>A), located in coding exon 2 of the BUB3 gene, results from a G to A substitution at nucleotide position 243. The methionine at codon 81 is replaced by isoleucine, an amino acid with highly similar properties. This amino acid position is conserved. In addition, this alteration is predicted to be tolerated by in silico analysis. Since supporting evidence is limited at this time, the clinical significance of this alteration remains unclear.

NM_004725.4(BUB3):c.243G>A (p.Met81Ile)

Gene: BUB3 (BUB3 mitotic checkpoint protein; plus strand). Cytogenetic location: 10q26.13.
Variant type: single nucleotide variant.
Coding change: c.243G>A on transcript NM_004725.4 (MANE Select); coding-DNA position 243, G replaced by A.
Protein change: p.Met81Ile; replaces methionine 81 with isoleucine.
Molecular consequence: missense variant.
Genome position (GRCh38, 1-based): chr10:123,155,705, G>A. VCF-style: chr10-123155705-G-A. GRCh37 (hg19) VCF-style: chr10-124915221-G-A.
Other names: c.243G>A, p.Met81Ile (NM_001007793.3); short protein forms M81I.
Identifiers: ClinVar variation 1791305 (VCV001791305.3), dbSNP rs370925914, ClinGen allele CA215181510.